The following is an entry in ClinVar:

NM_024598.4(USB1):c.599C>T (p.Thr200Ile)

Gene: USB1 (U6 snRNA biogenesis phosphodiesterase 1; plus strand). Cytogenetic location: 16q21.
Variant type: single nucleotide variant.
Coding change: c.599C>T on transcript NM_024598.4 (MANE Select); coding-DNA position 599, C replaced by T.
Protein change: p.Thr200Ile; replaces threonine 200 with isoleucine.
Molecular consequence: missense variant.
Genome position (GRCh38, 1-based): chr16:58,017,429, C>T. VCF-style: chr16-58017429-C-T. GRCh37 (hg19) VCF-style: chr16-58051333-C-T.
Other names: c.545C>T, p.Thr182Ile (NM_001195302.2); c.446C>T, p.Thr149Ile (NM_001330568.2); short protein forms T200I, T149I, T182I.
Identifiers: ClinVar variation 4196816 (VCV004196816.1).
Genomic context (GRCh38, chr16:58,017,429, plus strand): 5'-CCCAGTTCCTGGACCTGGTTTCAGAGGTGGACAGAGTCATGGAGGAATTCAACCTCACCA[C>T]TTTCTACCAGGTAATGAATGGGGCTGCTGCTTCTCCATTGACCCATTTCTAATGAGAATA-3'
Protein context (NP_078874.2, residues 190-210): DRVMEEFNLT[Thr200Ile]FYQDPSFHLS

ClinVar aggregate classification (germline): Uncertain significance (1 of 4 stars; one submission).

Conditions:
Inborn genetic diseases. Identifiers: MedGen C0950123, MeSH D030342.

Submission:

Ambry Genetics
Classification: Uncertain significance for Inborn genetic diseases. Last evaluated: 2025-08-20. Review status: criteria provided, single submitter. Criteria: Ambry Variant Classification Scheme 2023. Collection method: clinical testing. Allele origin: germline.
Comment: The p.T200I variant (also known as c.599C>T), located in coding exon 5 of the USB1 gene, results from a C to T substitution at nucleotide position 599. The threonine at codon 200 is replaced by isoleucine, an amino acid with similar properties. This amino acid position is conserved. In addition, this alteration is predicted to be tolerated by in silico analysis. Based on the available evidence, the clinical significance of this variant remains unclear.